The following is an entry in ClinVar:

ClinVar aggregate classification (germline): Uncertain significance (1 of 4 stars; one submission).

Conditions:
Cognitive impairment with or without cerebellar ataxia (CIAT). Identifiers: MedGen C3280415, MONDO:0013680, OMIM 614306.

Submission:

Victorian Clinical Genetics Services, Murdoch Childrens Research Institute
Classification: Uncertain significance for Cognitive impairment with or without cerebellar ataxia. Last evaluated: 2023-12-21. Review status: criteria provided, single submitter. Criteria: ACMG Guidelines, 2015. Collection method: clinical testing. Allele origin: germline. Inheritance: Autosomal dominant inheritance. Affected: yes.
Comment: Based on the classification scheme VCGS_Germline_v1.3.4, this variant is classified as VUS-3B. Following criteria are met: 0103 - Loss of function and gain of function are known mechanisms of disease in this gene, and are associated with cognitive impairment with or without cerebellar ataxia (MIM#614306) and developmental and epileptic encephalopathy 13 (MIM#614558), respectively. In addition, gain of function is speculated for seizures, benign familial infantile, 5 (MIM#617080) (PMID: 31904124, OMIM). (I) 0107 - This gene is associated with autosomal dominant disease. (I) 0216 - In-frame insertion/deletion in a non-repetitive region that has low-moderate conservation. (SP) 0251 - This variant is heterozygous. (I) 0301 - Variant is absent from gnomAD (both v2 and v3). (SP) 0309 - An alternative in-frame deletion overlapping the position of this variant, p.(Glu468_470del), has been observed in gnomAD (v3) (1 heterozygote, 0 homozygotes). (I) 0604 - Variant is not located in an established domain, motif, hotspot or informative constraint region. (I) 0705 - No comparable inframe variants have previous evidence for pathogenicity. (I) 0807 - This variant has no previous evidence of pathogenicity. (I) 0905 - No published segregation evidence has been identified for this variant. (I) 1007 - No published functional evidence has been identified for this variant. (I) 1208 - Inheritance information for this variant is not currently available in this individual. (I) Legend: (SP) - Supporting pathogenic, (I) - Information, (SB) - Supporting benign

Literature cited by the submitters: PubMed 31904124.

NM_001330260.2(SCN8A):c.1403AAG[1] (p.Glu469del)

Gene: SCN8A (sodium voltage-gated channel alpha subunit 8; plus strand). Cytogenetic location: 12q13.13.
Variant type: Microsatellite.
Coding change: c.1403AAG[1] on transcript NM_001330260.2 (MANE Select); one copy of the 3-base unit AAG starting at c.1403; the reference has two copies in a row; one copy, 3 bases deleted.
Protein change: p.Glu469del; deletes glutamic acid 469.
Molecular consequence: inframe deletion.
Genome position (GRCh38, 1-based): chr12:51,706,486-51,706,488, AAG deleted; deleting any 3 consecutive bases within chr12:51,706,482-51,706,488 gives the same sequence; the position shown is the placement nearest the transcript's 3' end. VCF-style (leftmost placement, unchanged base first): chr12-51706481-TGAA-T. GRCh37 (hg19) VCF-style: chr12-52100265-TGAA-T.
Other names: c.1403AAG[1], p.Glu469del (NM_001177984.3, NM_001369788.1, NM_014191.4); short protein forms E469del.
Identifiers: ClinVar variation 1806216 (VCV001806216.2), dbSNP rs2540185925, ClinGen allele CA1139771271.
Genomic context (GRCh38, chr12:51,706,481, plus strand): 5'-GGCTGCTGCGATGGCCACTTCAGCAGGAACTGTCTCAGAAGATGCCATAGAGGAAGAAGG[TGAA>T]GAAGGAGGGGGCTCCCCTCGGAGCTCTTCTGAAATCTCTAAACTCAGCTCAAAGAGTGCA-3'